The following is an entry in ClinVar:

NM_001130987.2(DYSF):c.1693-2A>G

Gene: DYSF (dysferlin; plus strand). Cytogenetic location: 2p13.2.
Variant type: single nucleotide variant.
Coding change: c.1693-2A>G on transcript NM_001130987.2 (MANE Select); the canonical splice acceptor site of the intron before coding-DNA position 1693, A replaced by G.
Molecular consequence: splice acceptor variant.
Genome position (GRCh38, 1-based): chr2:71,551,605, A>G. VCF-style: chr2-71551605-A-G. GRCh37 (hg19) VCF-style: chr2-71778735-A-G.
Other names: c.1732-2A>G (NM_001130979.2); c.1690-2A>G (NM_001130981.2, NM_001130980.2); c.1639-2A>G (NM_001130978.2, NM_003494.4); c.1597-2A>G (NM_001130977.2, NM_001130976.2); c.1735-2A>G (NM_001130982.2); c.1693-2A>G (NM_001130985.2); c.1642-2A>G (NM_001130983.2, NM_001130455.2); c.1600-2A>G (NM_001130984.2, NM_001130986.2).
Identifiers: ClinVar variation 4887742 (VCV004887742.1).

ClinVar aggregate classification (germline): Likely pathogenic (1 of 4 stars; one submission).

Conditions:
Autosomal recessive limb-girdle muscular dystrophy. Identifiers: Orphanet 102015, MedGen C2931907, MONDO:0015152.

Submission:

Women's Health and Genetics/Laboratory Corporation of America, LabCorp
Classification: Likely pathogenic for Autosomal recessive limb-girdle muscular dystrophy. Last evaluated: 2026-06-23. Review status: criteria provided, single submitter. Criteria: LabCorp Variant Classification Summary - May 2015. Collection method: clinical testing. Allele origin: germline.
Comment: Variant summary: DYSF c.1639-2A>G is located in a canonical splice-site and is predicted to affect mRNA splicing resulting in a significantly altered protein due to either exon skipping, shortening, or inclusion of intronic material. Variants that disrupt the consensus splice site are a relatively common cause of aberrant splicing and loss of DYSF function. Several computational tools predict a significant impact on normal splicing: Four predict the variant abolishes a 3' acceptor site. One predicts the variant strengthens a cryptic 3' acceptor site. However, these predictions have yet to be confirmed by functional studies. The variant was absent in 231708 control chromosomes. To our knowledge, no occurrence of c.1639-2A>G in individuals affected with DYSF-related conditions and no experimental evidence demonstrating its impact on protein function have been reported. No submitters have cited clinical-significance assessments for this variant to ClinVar. Based on the evidence outlined above, the variant was classified as likely pathogenic.